The following is an entry in ClinVar:

ClinVar aggregate classification (germline): Conflicting classifications of pathogenicity. Review status: criteria provided, conflicting classifications (1 of 4 stars). 4 submissions from 4 submitters: Pathogenic (1); Uncertain significance (1). 2 of the submissions do not count toward it. Last evaluated 2025-12-22.

Conditions:
Argininosuccinate lyase deficiency. Also called: ARGININOSUCCINIC ACID LYASE DEFICIENCY; ASL DEFICIENCY; Argininosuccinic aciduria. Identifiers: Orphanet 23, MedGen C0268547, MONDO:0008815, OMIM 207900, HP:0025630.

Allele frequency attached by ClinVar (database versions not stated): TOPMed below 0.00001; ExAC 0.00001.

Submissions (4):

Labcorp Genetics (formerly Invitae), Labcorp
Classification: Pathogenic for Argininosuccinate lyase deficiency. Last evaluated: 2025-12-22. Review status: criteria provided, single submitter. Criteria: Invitae Variant Classification Sherloc (09022015). Collection method: clinical testing. Allele origin: germline.
Comment: This sequence change replaces arginine, which is basic and polar, with histidine, which is basic and polar, at codon 168 of the ASL protein (p.Arg168His). This variant is present in population databases (rs727503811, gnomAD 0.006%). This missense change has been observed in individual(s) with clinical features of argininosuccinate lyase deficiency (PMID: 24166829, 32778825; internal data). ClinVar contains an entry for this variant (Variation ID: 166698). Invitae Evidence Modeling of protein sequence and biophysical properties (such as structural, functional, and spatial information, amino acid conservation, physicochemical variation, residue mobility, and thermodynamic stability) indicates that this missense variant is expected to disrupt ASL protein function with a positive predictive value of 95%. For these reasons, this variant has been classified as Pathogenic.

Eurofins Ntd Llc (ga)
Classification: Uncertain significance. Last evaluated: 2014-03-05. Review status: criteria provided, single submitter. Criteria: EGL Classification Definitions 2015. Collection method: clinical testing. Allele origin: germline. Observed: 1 variant allele, 1 heterozygote.

Natera, Inc.
Classification: Uncertain significance for Argininosuccinate lyase deficiency. Last evaluated: 2020-03-30. Review status: no assertion criteria provided. Collection method: clinical testing. Allele origin: germline. Not counted in ClinVar's aggregate classification.

Counsyl
Classification: Uncertain significance for Argininosuccinate lyase deficiency. Last evaluated: 2017-06-14. Review status: no assertion criteria provided. Collection method: clinical testing. Allele origin: unknown. Not counted in ClinVar's aggregate classification.

Literature cited by the submitters: PubMed 24166829 (cited by Labcorp Genetics (formerly Invitae), Labcorp and Counsyl); PubMed 32778825 (cited by Labcorp Genetics (formerly Invitae), Labcorp).

NM_000048.4(ASL):c.503G>A (p.Arg168His)

Gene: ASL (argininosuccinate lyase; plus strand). Cytogenetic location: 7q11.21.
Variant type: single nucleotide variant.
Coding change: c.503G>A on transcript NM_000048.4 (MANE Select); coding-DNA position 503, G replaced by A.
Protein change: p.Arg168His; replaces arginine 168 with histidine.
Molecular consequence: missense variant.
Genome position (GRCh38, 1-based): chr7:66,086,641, G>A. VCF-style: chr7-66086641-G-A. GRCh37 (hg19) VCF-style: chr7-65551628-G-A.
Other names: c.503G>A, p.Arg168His (NM_001024943.2, NM_001024944.2, NM_001024946.2); short protein forms R168H.
Identifiers: ClinVar variation 166698 (VCV000166698.26), dbSNP rs727503811, ClinGen allele CA233484.
Genomic context (GRCh38, chr7:66,086,641, plus strand): 5'-ACAGGGAACGTGATGTTCTCTTCCCGGGGTACACCCATTTGCAGAGGGCCCAGCCCATCC[G>A]CTGGAGCCACTGGATTCTGAGGTGAGCCAGGTGAGGTGCAGGGGCTGTGCTAGAGGGGAG-3'
Protein context (NP_000039.2, residues 158-178): YTHLQRAQPI[Arg168His]WSHWILSHAV